The following is an entry in ClinVar:

NM_002335.4(LRP5):c.2352G>A (p.Pro784=)

Gene: LRP5 (LDL receptor related protein 5; plus strand). Cytogenetic location: 11q13.2.
Variant type: single nucleotide variant.
Coding change: c.2352G>A on transcript NM_002335.4 (MANE Select); coding-DNA position 2352, G replaced by A.
Protein change: p.Pro784=; no amino-acid change (proline 784 retained).
Molecular consequence: synonymous variant.
Genome position (GRCh38, 1-based): chr11:68,411,469, G>A. VCF-style: chr11-68411469-G-A. GRCh37 (hg19) VCF-style: chr11-68178937-G-A.
Other names: c.2352G>A (NM_002335.3); c.609G>A, p.Pro203= (NM_001291902.2).
Identifiers: ClinVar variation 1924060 (VCV001924060.6), dbSNP rs755749782, ClinGen allele CA6149611.

ClinVar aggregate classification (germline): Likely benign. Review status: criteria provided, single submitter (1 of 4 stars). 2 submissions from 2 submitters: Likely benign (1). 1 of the submissions does not count toward it. Last evaluated 2024-01-12.

Conditions:
LRP5-related disorder. Also called: LRP5-related condition.

Allele frequency attached by ClinVar (database versions not stated): ExAC 0.00001; gnomAD exomes 0.00001; TOPMed 0.00002.
gnomAD v4.1: 12 of 1,613,026 alleles (0.00074%); highest among the groups gnomAD compares: East Asian, 0.0067%; no homozygotes.

Submissions (2):

Labcorp Genetics (formerly Invitae), Labcorp
Classification: Likely benign. Last evaluated: 2024-01-12. Review status: criteria provided, single submitter. Criteria: Invitae Variant Classification Sherloc (09022015). Collection method: clinical testing. Allele origin: germline.

PreventionGenetics, part of Exact Sciences
Classification: Likely benign for LRP5-related condition. Last evaluated: 2024-05-24. Review status: no assertion criteria provided. Collection method: clinical testing. Allele origin: germline. Not counted in ClinVar's aggregate classification.
Comment: This variant is classified as likely benign based on ACMG/AMP sequence variant interpretation guidelines (Richards et al. 2015 PMID: 25741868, with internal and published modifications).